The following is an entry in ClinVar:

NM_025114.4(CEP290):c.6012G>A (p.Arg2004=)

Gene: CEP290 (centrosomal protein 290; minus strand). Cytogenetic location: 12q21.32.
Variant type: single nucleotide variant.
Coding change: c.6012G>A on transcript NM_025114.4 (MANE Select); coding-DNA position 6012, G replaced by A.
Protein change: p.Arg2004=; no amino-acid change (arginine 2004 retained).
Molecular consequence: synonymous variant.
Genome position (GRCh38, 1-based): chr12:88,068,645, C>T on the plus strand (G>A on the coding strand, the complement: CEP290 is on the minus strand). VCF-style: chr12-88068645-C-T. GRCh37 (hg19) VCF-style: chr12-88462422-C-T.
Identifiers: ClinVar variation 1448228 (VCV001448228.8), dbSNP rs2136913860, ClinGen allele CA481071889.

ClinVar aggregate classification (germline): Uncertain significance. Review status: criteria provided, multiple submitters, no conflicts (2 of 4 stars). 2 submissions from 2 submitters: Uncertain significance (2). Last evaluated 2024-10-29.

Conditions:
Meckel-Gruber syndrome. Also called: Dysencephalia splachnocystica; DYSENCEPHALIA SPLANCHNOCYSTICA; GRUBER SYNDROME. Identifiers: Orphanet 564, MedGen C0265215, MONDO:0018921.
Nephronophthisis. Also called: Juvenile Nephronophthisis. Identifiers: Orphanet 655, MedGen C0687120, MONDO:0019005, HP:0000090.
Joubert syndrome. Also called: Familial aplasia of the vermis; JOUBERT-BOLTSHAUSER SYNDROME. Identifiers: Orphanet 475, MedGen C5979921, MONDO:0018772.

Allele frequency attached by ClinVar (database versions not stated): gnomAD exomes below 0.00001.
gnomAD v4.1: 1 of 1,591,862 alleles (0.000063%); highest among the groups gnomAD compares: Non-Finnish European, 0.000085%; no homozygotes.

Submissions (2):

Labcorp Genetics (formerly Invitae), Labcorp
Classification: Uncertain significance for Joubert syndrome; Meckel-Gruber syndrome; Nephronophthisis. Last evaluated: 2024-10-29. Review status: criteria provided, single submitter. Criteria: Invitae Variant Classification Sherloc (09022015). Collection method: clinical testing. Allele origin: germline.
Comment: This sequence change affects codon 2004 of the CEP290 mRNA. It is a 'silent' change, meaning that it does not change the encoded amino acid sequence of the CEP290 protein. It affects a nucleotide within the consensus splice site. This variant is not present in population databases (gnomAD no frequency). This variant has not been reported in the literature in individuals affected with CEP290-related conditions. ClinVar contains an entry for this variant (Variation ID: 1448228). Algorithms developed to predict the effect of sequence changes on RNA splicing suggest that this variant may disrupt the consensus splice site. In summary, the available evidence is currently insufficient to determine the role of this variant in disease. Therefore, it has been classified as a Variant of Uncertain Significance.

Blueprint Genetics
Classification: Uncertain significance. Last evaluated: 2021-03-10. Review status: criteria provided, single submitter. Criteria: ACMG Guidelines, 2015. Collection method: clinical testing. Allele origin: germline.